The following is an entry in ClinVar:

NM_024529.5(CDC73):c.475G>A (p.Gly159Ser)

Gene: CDC73 (cell division cycle 73; plus strand). Cytogenetic location: 1q31.2.
Variant type: single nucleotide variant.
Coding change: c.475G>A on transcript NM_024529.5 (MANE Select); coding-DNA position 475, G replaced by A.
Protein change: p.Gly159Ser; replaces glycine 159 with serine.
Molecular consequence: missense variant.
Genome position (GRCh38, 1-based): chr1:193,138,136, G>A. VCF-style: chr1-193138136-G-A. GRCh37 (hg19) VCF-style: chr1-193107266-G-A.
Other names: short protein forms G159S.
Identifiers: ClinVar variation 1691937 (VCV001691937.1), dbSNP rs1675833045, ClinGen allele CA343961223.

ClinVar aggregate classification (germline): Uncertain significance (1 of 4 stars; one submission).

Conditions:
Hereditary cancer-predisposing syndrome. Also called: Hereditary Cancer Syndrome; Hereditary neoplastic syndrome; Neoplastic Syndromes, Hereditary; Tumor predisposition. Identifiers: Orphanet 140162, MedGen C0027672, MeSH D009386, MONDO:0015356.

Allele frequency attached by ClinVar (database versions not stated): TOPMed below 0.00001.

Submission:

Sema4
Classification: Uncertain significance for Hereditary cancer-predisposing syndrome. Last evaluated: 2021-12-01. Review status: criteria provided, single submitter. Criteria: Sema4 Curation Guidelines. Collection method: curation. Allele origin: germline.
Comment: The CDC73 c.475G>A (p.G159S) variant has not been reported in the literature to our knowledge. It was not observed in the large and broad cohorts of the Genome Aggregation Database (PMID: 32461654). The variant has not been reported in ClinVar. Functional studies have not been performed, and in silico predictions of the variant's effect on protein function are inconclusive. The evidence is insufficient to meet ACMG/AMP criteria for classifying the variant as benign or pathogenic. Thus, the clinical significance of this variant is currently uncertain.